The following is an entry in ClinVar:

ClinVar aggregate classification (germline): Uncertain significance (1 of 4 stars; one submission).

Allele frequency attached by ClinVar (database versions not stated): gnomAD exomes below 0.00001; gnomAD 0.00001.
gnomAD v4.1: 6 of 1,209,709 alleles (0.0005%); highest among the groups gnomAD compares: Non-Finnish European, 0.00067%; no homozygotes.

Submission:

CeGaT Center for Human Genetics Tuebingen
Classification: Uncertain significance. Last evaluated: 2023-10-01. Review status: criteria provided, single submitter. Criteria: CeGaT Center For Human Genetics Tuebingen Variant Classification Criteria Version 2. Collection method: clinical testing. Allele origin: germline. Affected: yes. Observed: 1 variant allele.
Comment: ABCB7: PM2, PP2

NM_001271696.3(ABCB7):c.2201A>C (p.Lys734Thr)

Gene: ABCB7 (ATP binding cassette subfamily B member 7; minus strand). Cytogenetic location: Xq13.3.
Variant type: single nucleotide variant.
Coding change: c.2201A>C on transcript NM_001271696.3 (MANE Select); coding-DNA position 2201, A replaced by C.
Protein change: p.Lys734Thr; replaces lysine 734 with threonine.
Molecular consequence: missense variant.
Genome position (GRCh38, 1-based): chrX:75,053,428, T>G on the plus strand (A>C on the coding strand, the complement: ABCB7 is on the minus strand). VCF-style: chrX-75053428-T-G. GRCh37 (hg19) VCF-style: chrX-74273263-T-G.
Other names: c.2081A>C, p.Lys694Thr (NM_001271697.3); c.2123A>C, p.Lys708Thr (NM_001271698.3); c.2084A>C, p.Lys695Thr (NM_001271699.3); c.2204A>C, p.Lys735Thr (NM_004299.6); short protein forms K694T, K695T, K708T, K734T, K735T.
Identifiers: ClinVar variation 2660939 (VCV002660939.24), dbSNP rs1434162226, ClinGen allele CA413671382.
Genomic context (GRCh38, chrX:75,053,428, plus strand): 5'-ACTTAGCACGAACAGTTTCCACAGCCTTTCACACTATTGACAATTTCTTCTTGTAGTTTC[T>G]TTCTTTCCTCCTCTTTGGATATATTTTCTTTCTTTGCTTCCCATTTGGGGTTATCATGGT-3'
Protein context (NP_001258625.1, residues 724-744): KENISKEEER[Lys734Thr]KLQEEIVNSV